The following is an entry in ClinVar:

NM_002907.4(RECQL):c.1457G>T (p.Arg486Ile)

Gene: RECQL (RecQ like helicase; minus strand). Cytogenetic location: 12p12.1.
Variant type: single nucleotide variant.
Coding change: c.1457G>T on transcript NM_002907.4 (MANE Select); coding-DNA position 1457, G replaced by T.
Protein change: p.Arg486Ile; replaces arginine 486 with isoleucine.
Molecular consequence: missense variant.
Genome position (GRCh38, 1-based): chr12:21,471,638, C>A on the plus strand (G>T on the coding strand, the complement: RECQL is on the minus strand). VCF-style: chr12-21471638-C-A. GRCh37 (hg19) VCF-style: chr12-21624572-C-A.
Other names: c.1457G>T, p.Arg486Ile (NM_032941.3); short protein forms R486I.
Identifiers: ClinVar variation 3686913 (VCV003686913.2).

ClinVar aggregate classification (germline): Uncertain significance (1 of 4 stars; one submission).

gnomAD v4.1: 3 of 1,611,304 alleles (0.00019%); highest among the groups gnomAD compares: Non-Finnish European, 0.00025%; no homozygotes.

Submission:

Labcorp Genetics (formerly Invitae), Labcorp
Classification: Uncertain significance. Last evaluated: 2024-02-04. Review status: criteria provided, single submitter. Criteria: Invitae Variant Classification Sherloc (09022015). Collection method: clinical testing. Allele origin: germline.
Comment: This sequence change replaces arginine, which is basic and polar, with isoleucine, which is neutral and non-polar, at codon 486 of the RECQL protein (p.Arg486Ile). This variant is not present in population databases (gnomAD no frequency). This variant has not been reported in the literature in individuals affected with RECQL-related conditions. Advanced modeling of protein sequence and biophysical properties (such as structural, functional, and spatial information, amino acid conservation, physicochemical variation, residue mobility, and thermodynamic stability) performed at Invitae indicates that this missense variant is not expected to disrupt RECQL protein function with a negative predictive value of 80%. In summary, the available evidence is currently insufficient to determine the role of this variant in disease. Therefore, it has been classified as a Variant of Uncertain Significance.